The following is an entry in ClinVar:

NM_152384.3(BBS5):c.520C>T (p.Gln174Ter)

Gene: BBS5 (Bardet-Biedl syndrome 5; plus strand). Cytogenetic location: 2q31.1.
Variant type: single nucleotide variant.
Coding change: c.520C>T on transcript NM_152384.3 (MANE Select); coding-DNA position 520, C replaced by T.
Protein change: p.Gln174Ter; replaces glutamine 174 with a stop codon.
Molecular consequence: nonsense.
Genome position (GRCh38, 1-based): chr2:169,493,007, C>T. VCF-style: chr2-169493007-C-T. GRCh37 (hg19) VCF-style: chr2-170349517-C-T.
Other names: short protein forms Q174*.
Identifiers: ClinVar variation 1453921 (VCV001453921.7), dbSNP rs2105297825, ClinGen allele CA349164909.

ClinVar aggregate classification (germline): Pathogenic (1 of 4 stars; one submission).

Conditions:
Bardet-Biedl syndrome (BBS). Identifiers: Orphanet 110, MedGen C0752166, MONDO:0015229.

gnomAD v4.1: 2 of 1,613,474 alleles (0.00012%); highest among the groups gnomAD compares: Non-Finnish European, 0.000085%; no homozygotes.

Submission:

Labcorp Genetics (formerly Invitae), Labcorp
Classification: Pathogenic for Bardet-Biedl syndrome. Last evaluated: 2024-10-23. Review status: criteria provided, single submitter. Criteria: Invitae Variant Classification Sherloc (09022015). Collection method: clinical testing. Allele origin: germline.
Comment: This sequence change creates a premature translational stop signal (p.Gln174*) in the BBS5 gene. It is expected to result in an absent or disrupted protein product. Loss-of-function variants in BBS5 are known to be pathogenic (PMID: 15137946, 16877420, 26325687, 27708425, 28041643, 29806606). This variant is not present in population databases (gnomAD no frequency). This variant has not been reported in the literature in individuals affected with BBS5-related conditions. ClinVar contains an entry for this variant (Variation ID: 1453921). Algorithms developed to predict the effect of sequence changes on RNA splicing suggest that this variant may disrupt the consensus splice site. For these reasons, this variant has been classified as Pathogenic.

Literature cited by the submitters: PubMed 15137946; PubMed 16877420; PubMed 26325687; PubMed 27708425; PubMed 28041643; PubMed 29806606.